The following is an entry in ClinVar:

ClinVar aggregate classification (germline): Uncertain significance (1 of 4 stars; one submission).

Submission:

Labcorp Genetics (formerly Invitae), Labcorp
Classification: Uncertain significance. Last evaluated: 2024-06-05. Review status: criteria provided, single submitter. Criteria: Invitae Variant Classification Sherloc (09022015). Collection method: clinical testing. Allele origin: germline.
Comment: This sequence change replaces glutamic acid, which is acidic and polar, with lysine, which is basic and polar, at codon 992 of the TECTA protein (p.Glu992Lys). This variant is not present in population databases (gnomAD no frequency). This variant has not been reported in the literature in individuals affected with TECTA-related conditions. Advanced modeling of protein sequence and biophysical properties (such as structural, functional, and spatial information, amino acid conservation, physicochemical variation, residue mobility, and thermodynamic stability) performed at Invitae indicates that this missense variant is not expected to disrupt TECTA protein function with a negative predictive value of 95%. In summary, the available evidence is currently insufficient to determine the role of this variant in disease. Therefore, it has been classified as a Variant of Uncertain Significance.

NM_005422.4(TECTA):c.2974G>A (p.Glu992Lys)

Genes: TBCEL-TECTA (TBCEL-TECTA readthrough; plus strand), TECTA (tectorin alpha; plus strand). Cytogenetic location: 11q23.3.
Variant type: single nucleotide variant.
Coding change: c.2974G>A on transcript NM_005422.4 (MANE Select); coding-DNA position 2974, G replaced by A.
Protein change: p.Glu992Lys; replaces glutamic acid 992 with lysine.
Molecular consequence: missense variant.
Genome position (GRCh38, 1-based): chr11:121,137,453, G>A. VCF-style: chr11-121137453-G-A. GRCh37 (hg19) VCF-style: chr11-121008162-G-A.
Other names: c.3931G>A, p.Glu1311Lys (NM_001378761.1); short protein forms E1311K, E992K.
Identifiers: ClinVar variation 3634407 (VCV003634407.2).
Genomic context (GRCh38, chr11:121,137,453, plus strand): 5'-AACCCGTCTTCTCCTTGACCACCTGCAGCACTGGAGTGCCCAGAGAACAGCCACTTTGAG[G>A]AGTGCATCACATGTACAGAGACCTGTGAGACCCTTACCCTGGGCCCCATCTGCGTGGATA-3'
Protein context (NP_005413.2, residues 982-1002): LECPENSHFE[Glu992Lys]CITCTETCET